The following is an entry in ClinVar:

ClinVar aggregate classification (germline): Uncertain significance (1 of 4 stars; one submission).

Submission:

Labcorp Genetics (formerly Invitae), Labcorp
Classification: Uncertain significance. Last evaluated: 2022-09-02. Review status: criteria provided, single submitter. Criteria: Invitae Variant Classification Sherloc (09022015). Collection method: clinical testing. Allele origin: germline.
Comment: In summary, the available evidence is currently insufficient to determine the role of this variant in disease. Therefore, it has been classified as a Variant of Uncertain Significance. This variant has not been reported in the literature in individuals affected with RIMS1-related conditions. This variant is not present in population databases (gnomAD no frequency). This variant, c.339_341dup, results in the insertion of 1 amino acid(s) of the RIMS1 protein (p.Pro114dup), but otherwise preserves the integrity of the reading frame.

NM_014989.7(RIMS1):c.339_341dup (p.Pro114_Thr115insPro)

Gene: RIMS1 (regulating synaptic membrane exocytosis 1; plus strand). Cytogenetic location: 6q13.
Variant type: Duplication.
Coding change: c.339_341dup on transcript NM_014989.7 (MANE Select); coding-DNA positions 339 to 341, 3 bases duplicated (TCC; older notation c.339_341dupTCC).
Protein change: p.Pro114_Thr115insPro.
Molecular consequence: inframe insertion.
Genome position (GRCh38, 1-based): chr6:72,097,042-72,097,044, TCC duplicated; duplicating any 3 consecutive bases within chr6:72,097,041-72,097,044 gives the same sequence; the c. name uses the placement nearest the transcript's 3' end. VCF-style (leftmost placement, unchanged base first): chr6-72097040-G-GCTC. GRCh37 (hg19) VCF-style: chr6-72806743-G-GCTC.
Other names: c.336_338dup, p.Pro113_Thr114insPro (NM_001350411.1); c.258_260dup, p.Pro87_Thr88insPro (NM_001350412.1); c.339_341dup, p.Pro114_Thr115insPro (NM_001350413.1).
Identifiers: ClinVar variation 2028622 (VCV002028622.4), dbSNP rs2551644131, ClinGen allele CA2580075724.